The following is an entry in ClinVar:

NM_012082.4(ZFPM2):c.3358T>C (p.Tyr1120His)

Genes: ZFPM2 (zinc finger protein, FOG family member 2; plus strand), ZFPM2-AS1 (ZFPM2 antisense RNA 1; minus strand). Cytogenetic location: 8q23.1.
Variant type: single nucleotide variant.
Coding change: c.3358T>C on transcript NM_012082.4 (MANE Select); coding-DNA position 3358, T replaced by C.
Protein change: p.Tyr1120His; replaces tyrosine 1120 with histidine.
Molecular consequence: missense variant.
Genome position (GRCh38, 1-based): chr8:105,803,440, T>C. VCF-style: chr8-105803440-T-C. GRCh37 (hg19) VCF-style: chr8-106815668-T-C.
Other names: c.3199T>C, p.Tyr1067His (NM_001362836.2); c.2962T>C, p.Tyr988His (NM_001362837.2); short protein forms Y1067H, Y1120H, Y988H.
Identifiers: ClinVar variation 1318334 (VCV001318334.2), dbSNP rs1198119139, ClinGen allele CA371957276.
Genomic context (GRCh38, chr8:105,803,440, plus strand): 5'-CAGTTGTCTAGTATAGCAAAAGGTGTGAATGGTTCCAGCCAGGCTCCAACCAGTGGGAAA[T>C]ATTGCCGGCTATGTGATATCCAGTTCAACAACCTTTCAAACTTTATAACTCACAAGAAGT-3'
Protein context (NP_036214.2, residues 1110-1130): GSSQAPTSGK[Tyr1120His]CRLCDIQFNN

ClinVar aggregate classification (germline): Uncertain significance (1 of 4 stars; one submission).

Allele frequency attached by ClinVar (database versions not stated): gnomAD exomes 0.00001.
gnomAD v4.1: 3 of 1,613,766 alleles (0.00019%); highest among the groups gnomAD compares: Admixed American, 0.005%; no homozygotes.

Submission:

GeneDx
Classification: Uncertain significance. Last evaluated: 2020-06-12. Review status: criteria provided, single submitter. Criteria: GeneDx Variant Classification Process June 2021. Collection method: clinical testing. Allele origin: germline. Affected: yes.
Comment: In silico analysis supports that this missense variant has a deleterious effect on protein structure/function; Has not been previously published as pathogenic or benign to our knowledge